The following is an entry in ClinVar:

NM_014915.3(ANKRD26):c.31T>A (p.Ser11Thr)

Genes: ANKRD26 (ankyrin repeat domain 26; minus strand), LOC130003554 (ATAC-STARR-seq lymphoblastoid silent region 2243; plus strand). Cytogenetic location: 10p12.1.
Variant type: single nucleotide variant.
Coding change: c.31T>A on transcript NM_014915.3 (MANE Select); coding-DNA position 31, T replaced by A.
Protein change: p.Ser11Thr; replaces serine 11 with threonine.
Molecular consequence: missense variant.
Genome position (GRCh38, 1-based): chr10:27,100,296, A>T on the plus strand (T>A on the coding strand, the complement: ANKRD26 is on the minus strand). VCF-style: chr10-27100296-A-T. GRCh37 (hg19) VCF-style: chr10-27389225-A-T.
Other names: c.31T>A, p.Ser11Thr (NM_001256053.2); short protein forms S11T.
Identifiers: ClinVar variation 2429548 (VCV002429548.4), dbSNP rs2539364680, ClinGen allele CA376370044.

ClinVar aggregate classification (germline): Uncertain significance. Review status: criteria provided, multiple submitters, no conflicts (2 of 4 stars). 3 submissions from 3 submitters: Uncertain significance (3). Last evaluated 2025-03-07.

Conditions:
ANKRD26-related disorder. Also called: ANKRD26-related condition.
Inborn genetic diseases. Identifiers: MedGen C0950123, MeSH D030342.

Allele frequency attached by ClinVar (database versions not stated): gnomAD exomes 0.00001.
gnomAD v4.1: 5 of 1,609,294 alleles (0.00031%); highest among the groups gnomAD compares: Non-Finnish European, 0.00042%; no homozygotes.

Submissions (3):

Ambry Genetics
Classification: Uncertain significance for Inborn genetic diseases. Last evaluated: 2025-03-07. Review status: criteria provided, single submitter. Criteria: Ambry Variant Classification Scheme 2023. Collection method: clinical testing. Allele origin: germline.
Comment: The p.S11T variant (also known as c.31T>A), located in coding exon 1 of the ANKRD26 gene, results from a T to A substitution at nucleotide position 31. The serine at codon 11 is replaced by threonine, an amino acid with similar properties. This amino acid position is conserved. In addition, this alteration is predicted to be tolerated by in silico analysis. Based on the available evidence, the clinical significance of this variant remains unclear.

PreventionGenetics, part of Exact Sciences
Classification: Uncertain significance for ANKRD26-related condition. Last evaluated: 2025-01-23. Review status: criteria provided, single submitter. Criteria: ACMG Guidelines, 2015. Collection method: clinical testing. Allele origin: germline.
Comment: The ANKRD26 c.31T>A variant is predicted to result in the amino acid substitution p.Ser11Thr. To our knowledge, this variant has not been reported in the literature or in a large population database (gnomAD), indicating this variant is rare. At this time, the clinical significance of this variant is uncertain due to the absence of conclusive functional and genetic evidence.

GeneDx
Classification: Uncertain significance. Last evaluated: 2023-05-17. Review status: criteria provided, single submitter. Criteria: GeneDx Variant Classification Process June 2021. Collection method: clinical testing. Allele origin: germline. Affected: yes.
Comment: Not observed at significant frequency in large population cohorts (gnomAD); In silico analysis supports that this missense variant does not alter protein structure/function; Has not been previously published as pathogenic or benign to our knowledge